The following is an entry in ClinVar:

NM_003482.4(KMT2D):c.14570T>C (p.Leu4857Pro)

Gene: KMT2D (lysine methyltransferase 2D; minus strand). Cytogenetic location: 12q13.12.
Variant type: single nucleotide variant.
Coding change: c.14570T>C on transcript NM_003482.4 (MANE Select); coding-DNA position 14570, T replaced by C.
Protein change: p.Leu4857Pro; replaces leucine 4857 with proline.
Molecular consequence: missense variant.
Genome position (GRCh38, 1-based): chr12:49,027,876, A>G on the plus strand (T>C on the coding strand, the complement: KMT2D is on the minus strand). VCF-style: chr12-49027876-A-G. GRCh37 (hg19) VCF-style: chr12-49421659-A-G.
Other names: short protein forms L4857P.
Identifiers: ClinVar variation 2854005 (VCV002854005.3), dbSNP rs2498330474, ClinGen allele CA384694358.

ClinVar aggregate classification (germline): Uncertain significance (1 of 4 stars; one submission).

Conditions:
Kabuki syndrome. Also called: NIIKAWA-KUROKI SYNDROME; Kabuki make-up syndrome. Identifiers: Orphanet 2322, MedGen C0796004, MONDO:0016512.

Submission:

Labcorp Genetics (formerly Invitae), Labcorp
Classification: Uncertain significance for Kabuki syndrome. Last evaluated: 2023-12-11. Review status: criteria provided, single submitter. Criteria: Invitae Variant Classification Sherloc (09022015). Collection method: clinical testing. Allele origin: germline.
Comment: This sequence change replaces leucine, which is neutral and non-polar, with proline, which is neutral and non-polar, at codon 4857 of the KMT2D protein (p.Leu4857Pro). This variant is not present in population databases (gnomAD no frequency). This variant has not been reported in the literature in individuals affected with KMT2D-related conditions. Advanced modeling of protein sequence and biophysical properties (such as structural, functional, and spatial information, amino acid conservation, physicochemical variation, residue mobility, and thermodynamic stability) performed at Invitae indicates that this missense variant is expected to disrupt KMT2D protein function with a positive predictive value of 95%. In summary, the available evidence is currently insufficient to determine the role of this variant in disease. Therefore, it has been classified as a Variant of Uncertain Significance.